The following is an entry in ClinVar:

NM_012233.3(RAB3GAP1):c.1255G>A (p.Val419Ile)

Gene: RAB3GAP1 (RAB3 GTPase activating protein catalytic subunit 1; plus strand). Cytogenetic location: 2q21.3.
Variant type: single nucleotide variant.
Coding change: c.1255G>A on transcript NM_012233.3 (MANE Select); coding-DNA position 1255, G replaced by A.
Protein change: p.Val419Ile; replaces valine 419 with isoleucine.
Molecular consequence: missense variant.
Genome position (GRCh38, 1-based): chr2:135,132,913, G>A. VCF-style: chr2-135132913-G-A. GRCh37 (hg19) VCF-style: chr2-135890483-G-A.
Other names: c.1255G>A, p.Val419Ile (NM_001172435.2); short protein forms V419I.
Identifiers: ClinVar variation 4990872 (VCV004990872.1).

ClinVar aggregate classification (germline): Uncertain significance (1 of 4 stars; one submission).

Conditions:
RAB3GAP1-related disorder. Also called: RAB3GAP1-related disorders; RAB3GAP1-related condition.

gnomAD v4.1: 3 of 1,570,376 alleles (0.00019%); highest among the groups gnomAD compares: Admixed American, 0.0017%; no homozygotes.

Submission:

PreventionGenetics, part of Exact Sciences
Classification: Uncertain significance for RAB3GAP1-related condition. Last evaluated: 2025-09-12. Review status: criteria provided, single submitter. Criteria: ACMG Guidelines, 2015. Collection method: clinical testing. Allele origin: germline.
Comment: The RAB3GAP1 c.1255G>A variant is predicted to result in the amino acid substitution p.Val419Ile. To our knowledge, this variant has not been reported in the literature or in a large population database (gnomAD), indicating this variant is rare. At this time, the clinical significance of this variant is uncertain due to the absence of conclusive functional and genetic evidence.